The following is an entry in ClinVar:

ClinVar aggregate classification (germline): Conflicting classifications of pathogenicity. Review status: criteria provided, conflicting classifications (1 of 4 stars). 3 submissions from 3 submitters: Likely pathogenic (1); Uncertain significance (2). Last evaluated 2025-01-03.

Conditions:
Galactosylceramide beta-galactosidase deficiency. Also called: GALACTOCEREBROSIDASE DEFICIENCY; GALC DEFICIENCY; GLOBOID CELL LEUKOENCEPHALOPATHY; Leukodystrophy, Globoid Cell; Krabbe Disease. Identifiers: Orphanet 487, MedGen C0023521, MONDO:0009499, OMIM 245200.

gnomAD v4.1: 1 of 1,593,378 alleles (0.000063%); highest among the groups gnomAD compares: Non-Finnish European, 0.000086%; no homozygotes.

Submissions (3):

Labcorp Genetics (formerly Invitae), Labcorp
Classification: Uncertain significance for Galactosylceramide beta-galactosidase deficiency. Last evaluated: 2025-01-03. Review status: criteria provided, single submitter. Criteria: Invitae Variant Classification Sherloc (09022015). Collection method: clinical testing. Allele origin: germline.
Comment: This sequence change replaces threonine, which is neutral and polar, with alanine, which is neutral and non-polar, at codon 428 of the GALC protein (p.Thr428Ala). This variant is not present in population databases (gnomAD no frequency). This missense change has been observed in individual(s) with Krabbe disease (PMID: 28598007). In at least one individual the data is consistent with being in trans (on the opposite chromosome) from a pathogenic variant. ClinVar contains an entry for this variant (Variation ID: 3251368). Invitae Evidence Modeling of protein sequence and biophysical properties (such as structural, functional, and spatial information, amino acid conservation, physicochemical variation, residue mobility, and thermodynamic stability) has been performed for this missense variant. However, the output from this modeling did not meet the statistical confidence thresholds required to predict the impact of this variant on GALC protein function. In summary, the available evidence is currently insufficient to determine the role of this variant in disease. Therefore, it has been classified as a Variant of Uncertain Significance.

Fulgent Genetics
Classification: Likely pathogenic for Galactosylceramide beta-galactosidase deficiency. Last evaluated: 2024-04-19. Review status: criteria provided, single submitter. Criteria: ACMG Guidelines, 2015. Collection method: clinical testing. Allele origin: germline.

Women's Health and Genetics/Laboratory Corporation of America, LabCorp
Classification: Uncertain significance. Last evaluated: 2024-04-10. Review status: criteria provided, single submitter. Criteria: LabCorp Variant Classification Summary - May 2015. Collection method: clinical testing. Allele origin: germline.
Comment: Variant summary: GALC c.1282A>G (p.Thr428Ala) results in a non-conservative amino acid change located in the Glycosyl hydrolase family 59, central domain (IPR035394) of the encoded protein sequence. Four of five in-silico tools predict a damaging effect of the variant on protein function. The variant was absent in 248610 control chromosomes (gnomAD). The available data on variant occurrences in the general population are insufficient to allow any conclusion about variant significance. c.1282A>G has been reported in the literature in an individual affected with Krabbe Disease (Zhao_2018). These data do not allow any conclusion about variant significance. To our knowledge, no experimental evidence demonstrating an impact on protein function has been reported. The following publication has been ascertained in the context of this evaluation (PMID: 28598007). No submitters have cited clinical-significance assessments for this variant to ClinVar. Based on the evidence outlined above, the variant was classified as uncertain significance.

Literature cited by the submitters: PubMed 28598007 (cited by Labcorp Genetics (formerly Invitae), Labcorp and Women's Health and Genetics/Laboratory Corporation of America, LabCorp).

NM_000153.4(GALC):c.1282A>G (p.Thr428Ala)

Gene: GALC (galactosylceramidase; minus strand). Cytogenetic location: 14q31.3.
Variant type: single nucleotide variant.
Coding change: c.1282A>G on transcript NM_000153.4 (MANE Select); coding-DNA position 1282, A replaced by G.
Protein change: p.Thr428Ala; replaces threonine 428 with alanine.
Molecular consequence: missense variant. On other transcripts: non-coding transcript variant (1).
Genome position (GRCh38, 1-based): chr14:87,949,901, T>C on the plus strand (A>G on the coding strand, the complement: GALC is on the minus strand). VCF-style: chr14-87949901-T-C. GRCh37 (hg19) VCF-style: chr14-88416245-T-C.
Other names: c.1204A>G, p.Thr402Ala (NM_001201402.2); c.1114A>G, p.Thr372Ala (NM_001424071.1, NM_001424072.1, NM_001424073.1); c.934A>G, p.Thr312Ala (NM_001424074.1, NM_001424075.1); c.649A>G, p.Thr217Ala (NM_001424076.1, NM_001424077.1); c.1213A>G, p.Thr405Ala (NM_001201401.2); short protein forms T217A, T312A, T372A, T402A, T405A, T428A.
Identifiers: ClinVar variation 3251368 (VCV003251368.4), dbSNP rs2503372037.